The following is an entry in ClinVar:

NM_007255.3(B4GALT7):c.168C>G (p.Asp56Glu)

Gene: B4GALT7 (beta-1,4-galactosyltransferase 7; plus strand). Cytogenetic location: 5q35.3.
Variant type: single nucleotide variant.
Coding change: c.168C>G on transcript NM_007255.3 (MANE Select); coding-DNA position 168, C replaced by G.
Protein change: p.Asp56Glu; replaces aspartic acid 56 with glutamic acid.
Molecular consequence: missense variant.
Genome position (GRCh38, 1-based): chr5:177,604,296, C>G. VCF-style: chr5-177604296-C-G. GRCh37 (hg19) VCF-style: chr5-177031297-C-G.
Other names: short protein forms D56E.
Identifiers: ClinVar variation 1499505 (VCV001499505.8), dbSNP rs1309659292, ClinGen allele CA362372989.

ClinVar aggregate classification (germline): Uncertain significance (1 of 4 stars; one submission).

Conditions:
Spondylodysplastic Ehlers-Danlos syndrome. Identifiers: Orphanet 536471, Orphanet 75496, MedGen C5680154, MONDO:0007526.

Allele frequency attached by ClinVar (database versions not stated): TOPMed below 0.00001.
gnomAD v4.1: 2 of 1,611,810 alleles (0.00012%); highest among the groups gnomAD compares: East Asian, 0.0022%; no homozygotes.

Submission:

Labcorp Genetics (formerly Invitae), Labcorp
Classification: Uncertain significance for Spondylodysplastic Ehlers-Danlos syndrome. Last evaluated: 2025-03-31. Review status: criteria provided, single submitter. Criteria: Invitae Variant Classification Sherloc (09022015). Collection method: clinical testing. Allele origin: germline.
Comment: This sequence change replaces aspartic acid, which is acidic and polar, with glutamic acid, which is acidic and polar, at codon 56 of the B4GALT7 protein (p.Asp56Glu). This variant is not present in population databases (gnomAD no frequency). This variant has not been reported in the literature in individuals affected with B4GALT7-related conditions. ClinVar contains an entry for this variant (Variation ID: 1499505). An algorithm developed to predict the effect of missense changes on protein structure and function (PolyPhen-2) suggests that this variant is likely to be tolerated. In summary, the available evidence is currently insufficient to determine the role of this variant in disease. Therefore, it has been classified as a Variant of Uncertain Significance.